The following is an entry in ClinVar:

NM_022765.4(MICAL1):c.966T>A (p.Ser322Arg)

Gene: MICAL1 (microtubule associated monooxygenase, calponin and LIM domain containing 1; minus strand). Cytogenetic location: 6q21.
Variant type: single nucleotide variant.
Coding change: c.966T>A on transcript NM_022765.4 (MANE Select); coding-DNA position 966, T replaced by A.
Protein change: p.Ser322Arg; replaces serine 322 with arginine.
Molecular consequence: missense variant. On other transcripts: intron variant (1).
Genome position (GRCh38, 1-based): chr6:109,450,525, A>T on the plus strand (T>A on the coding strand, the complement: MICAL1 is on the minus strand). VCF-style: chr6-109450525-A-T. GRCh37 (hg19) VCF-style: chr6-109771728-A-T.
Other names: c.1023T>A, p.Ser341Arg (NM_001286613.2); c.934-440T>A (NM_001159291.2); short protein forms S322R, S341R.
Identifiers: ClinVar variation 1372102 (VCV001372102.6), dbSNP rs1270638408, ClinGen allele CA365231459.

ClinVar aggregate classification (germline): Uncertain significance (1 of 4 stars; one submission).

gnomAD v4.1: 2 of 1,611,584 alleles (0.00012%); highest among the groups gnomAD compares: African/African-American, 0.0013%; no homozygotes.

Submission:

Labcorp Genetics (formerly Invitae), Labcorp
Classification: Uncertain significance. Last evaluated: 2021-08-03. Review status: criteria provided, single submitter. Criteria: Invitae Variant Classification Sherloc (09022015). Collection method: clinical testing. Allele origin: germline.
Comment: In summary, the available evidence is currently insufficient to determine the role of this variant in disease. Therefore, it has been classified as a Variant of Uncertain Significance. Algorithms developed to predict the effect of missense changes on protein structure and function output the following: SIFT: "Tolerated"; PolyPhen-2: "Benign"; Align-GVGD: "Class C0". The arginine amino acid residue is found in multiple mammalian species, which suggests that this missense change does not adversely affect protein function. This variant has not been reported in the literature in individuals affected with MICAL1-related conditions. This variant is not present in population databases (ExAC no frequency). This sequence change replaces serine with arginine at codon 341 of the MICAL1 protein (p.Ser341Arg). The serine residue is weakly conserved and there is a moderate physicochemical difference between serine and arginine.